The following is an entry in ClinVar:

NM_000069.3(CACNA1S):c.1493G>T (p.Arg498Leu)

Gene: CACNA1S (calcium voltage-gated channel subunit alpha1 S; minus strand). Cytogenetic location: 1q32.1.
Variant type: single nucleotide variant.
Coding change: c.1493G>T on transcript NM_000069.3 (MANE Select); coding-DNA position 1493, G replaced by T.
Protein change: p.Arg498Leu; replaces arginine 498 with leucine.
Molecular consequence: missense variant.
Genome position (GRCh38, 1-based): chr1:201,078,005, C>A on the plus strand (G>T on the coding strand, the complement: CACNA1S is on the minus strand). VCF-style: chr1-201078005-C-A. GRCh37 (hg19) VCF-style: chr1-201047133-C-A.
Other names: short protein forms R498L.
Identifiers: ClinVar variation 279727 (VCV000279727.54), dbSNP rs150590855, ClinGen allele CA078268.

ClinVar aggregate classification (germline): Conflicting classifications of pathogenicity. Review status: criteria provided, conflicting classifications (1 of 4 stars). 13 submissions from 13 submitters: Uncertain significance (4); Benign (3); Likely benign (5). 1 of the submissions does not count toward it. Last evaluated 2026-01-28.

Conditions:
Malignant hyperthermia, susceptibility to, 5 (MHS5). Also called: CACNA1S-Related Malignant Hyperthermia Susceptibility. Identifiers: Orphanet 423, MedGen C1866077, MONDO:0011163, OMIM 601887.
Hypokalemic periodic paralysis, type 1. Also called: HypoPP; Hypokalemic Periodic Paralysis Type 1 (AD). Identifiers: Orphanet 681, MedGen C3714580, MONDO:0042979, OMIM 170400.
Inborn genetic diseases. Identifiers: MedGen C0950123, MeSH D030342.

Allele frequency attached by ClinVar (database versions not stated): 1000 Genomes Project 0.00060; 1000 Genomes Project 30x 0.00062; TOPMed 0.00072; ESP Exome Variant Server 0.00085.
gnomAD v4.1: 1,496 of 1,614,166 alleles (0.093%); highest among the groups gnomAD compares: Non-Finnish European, 0.12%; 1 homozygote.

Submissions (13):

Labcorp Genetics (formerly Invitae), Labcorp
Classification: Likely benign for Hypokalemic periodic paralysis, type 1; Malignant hyperthermia, susceptibility to, 5. Last evaluated: 2026-01-28. Review status: criteria provided, single submitter. Criteria: Invitae Variant Classification Sherloc (09022015). Collection method: clinical testing. Allele origin: germline.

CeGaT Center for Human Genetics Tuebingen
Classification: Uncertain significance. Last evaluated: 2025-12-01. Review status: criteria provided, single submitter. Criteria: CeGaT Center For Human Genetics Tuebingen Variant Classification Criteria Version 2. Collection method: clinical testing. Allele origin: germline. Affected: yes. Observed: 3 variant alleles.
Comment: CACNA1S: PP3

GeneDx
Classification: Uncertain significance. Last evaluated: 2025-09-29. Review status: criteria provided, single submitter. Criteria: GeneDx Variant Classification Process June 2021. Collection method: clinical testing. Allele origin: germline. Affected: yes.
Comment: Reported previously in an individual with malignant hyperthermia susceptibility (PMID: 25735680); Reported previously in an individual with Takotsubo cardiomyopathy that underwent whole exome sequencing; however, CACNA1S was only reported as a candidate gene and other potentially pathogenic variants were also reported in this individual (PMID: 25132214); Reported previously as a variant of uncertain significance in a patient with recurrent exertional rhabdomyolysis and possible malignant hyperthermia susceptibility; this patient also had a pathogenic variant in a different gene related to a separate diagnosis (PMID: 30094188); In silico analysis supports that this missense variant has a deleterious effect on protein structure/function; This variant is associated with the following publications: (PMID: 32054689, 25132214, 25735680, 30094188, 37937776)

Revvity Omics, Revvity
Classification: Likely benign. Last evaluated: 2025-03-31. Review status: criteria provided, single submitter. Criteria: ACMG Guidelines, 2015. Collection method: clinical testing. Allele origin: germline.

Women's Health and Genetics/Laboratory Corporation of America, LabCorp
Classification: Likely benign. Last evaluated: 2025-01-23. Review status: criteria provided, single submitter. Criteria: LabCorp Variant Classification Summary - May 2015. Collection method: clinical testing. Allele origin: germline.
Comment: Variant summary: CACNA1S c.1493G>T (p.Arg498Leu) results in a non-conservative amino acid change located in the voltage-dependent channel domain (IPR027359) of the encoded protein sequence. Four of five in-silico tools predict a damaging effect of the variant on protein function. The variant allele was found at a frequency of 0.00096 in 1461834 control chromosomes, predominantly at a frequency of 0.0012 within the Non-Finnish European subpopulation in the gnomAD database, including 1 homozygotes. The observed variant frequency within Non-Finnish European control individuals in the gnomAD database is slightly higher than the estimated maximal expected allele frequency for a pathogenic variant in CACNA1S causing Congenital myopathy 18-AR phenotype (0.0011). c.1493G>T has been reported in the literature in individuals affected with Takotsubo cardiomyopathy, malignant hyperthermia, and early onset small-fiber neuropathy (e.g., Gillies_2015, Goodloe_2014, Misra_2024, Sambuughin_2018). These reports do not provide unequivocal conclusions about association of the variant with Congenital myopathy 18-AR. To our knowledge, no experimental evidence demonstrating an impact on protein function has been reported. The following publications have been ascertained in the context of this evaluation (PMID: 25735680, 25132214, 39000354, 30094188). ClinVar contains an entry for this variant (Variation ID: 279727). Based on the evidence outlined above, the variant was classified as likely benign.

Athena Diagnostics
Classification: Benign. Last evaluated: 2024-11-05. Review status: criteria provided, single submitter. Criteria: Athena Diagnostics Criteria. Collection method: clinical testing. Allele origin: unknown.

Blueprint Genetics
Classification: Uncertain significance. Last evaluated: 2024-10-28. Review status: criteria provided, single submitter. Criteria: ACMG Guidelines, 2015. Collection method: clinical testing. Allele origin: germline.

All of Us Research Program, National Institutes of Health
Classification: Likely benign for Malignant hyperthermia, susceptibility to, 5. Last evaluated: 2024-09-28. Review status: criteria provided, single submitter. Criteria: ACMG Guidelines, 2015. Collection method: clinical testing. Allele origin: germline. Inheritance: Autosomal dominant inheritance. Observed: 208 variant alleles, 208 heterozygotes.
Comment: This study involves interpretation of variants in research participants for the purpose of population health screening. Participant phenotype was not available at the time of variant classification. Additional details can be found in publication PMID: 35346344, PMCID: PMC8962531

Color Diagnostics, LLC DBA Color Health
Classification: Likely benign for Malignant hyperthermia, susceptibility to, 5. Last evaluated: 2023-03-20. Review status: criteria provided, single submitter. Criteria: ACMG Guidelines, 2015. Collection method: clinical testing. Allele origin: germline.

Ambry Genetics
Classification: Uncertain significance for Inborn genetic diseases. Last evaluated: 2022-09-03. Review status: criteria provided, single submitter. Criteria: Ambry Variant Classification Scheme 2023. Collection method: clinical testing. Allele origin: germline.
Comment: The c.1493G>T (p.R498L) alteration is located in exon 11 (coding exon 11) of the CACNA1S gene. This alteration results from a G to T substitution at nucleotide position 1493, causing the arginine (R) at amino acid position 498 to be replaced by a leucine (L). Based on data from gnomAD, the T allele has an overall frequency of 0.06% (168/282898) total alleles studied. The highest observed frequency was 0.1% (127/129198) of European (non-Finnish) alleles. This alteration was reported to be heterozygous in an individual with malignant hyperthermia susceptibility with positive in vitro contracture tests (Gillies, 2015). This amino acid position is highly conserved in available vertebrate species. The p.R498L alteration is predicted to be deleterious by in silico analysis. Based on insufficient or conflicting evidence, the clinical significance of this alteration remains unclear.

Mayo Clinic Laboratories, Mayo Clinic
Classification: Benign. Last evaluated: 2020-08-26. Review status: criteria provided, single submitter. Criteria: ACMG Guidelines, 2015. Collection method: clinical testing. Allele origin: germline. Observed: 2 variant alleles.

Illumina Laboratory Services, Illumina
Classification: Benign for Hypokalemic periodic paralysis, type 1. Last evaluated: 2018-01-12. Review status: criteria provided, single submitter. Criteria: ICSL Variant Classification Criteria 13 December 2019. Collection method: clinical testing. Allele origin: germline.
Comment: This variant was observed in the ICSL laboratory as part of a predisposition screen in an ostensibly healthy population. It had not been previously curated by ICSL or reported in the Human Gene Mutation Database (HGMD: prior to June 1st, 2018), and was therefore a candidate for classification through an automated scoring system. Utilizing variant allele frequency, disease prevalence and penetrance estimates, and inheritance mode, an automated score was calculated to assess if this variant is too frequent to cause the disease. Based on the score and internal cut-off values, a variant classified as benign is not then subjected to further curation. The score for this variant resulted in a classification of benign for this disease.

Knight Diagnostic Laboratories, Oregon Health and Sciences University
Classification: Uncertain significance for Malignant hyperthermia, susceptibility to, 5. Last evaluated: 2015-09-26. Review status: no assertion criteria provided. Criteria: ACMG Guidelines, 2015. Collection method: clinical testing. Allele origin: germline. Affected: no. Study: CSER-NextGen. Not counted in ClinVar's aggregate classification.

Literature cited by the submitters: PubMed 30094188 (cited by Women's Health and Genetics/Laboratory Corporation of America, LabCorp and Athena Diagnostics); PubMed 25735680 (cited by 3 submitters); PubMed 39000354 (cited by Women's Health and Genetics/Laboratory Corporation of America, LabCorp); PubMed 25132214 (cited by 3 submitters); PubMed 25658027 (cited by Ambry Genetics).